The following is an entry in ClinVar:

NM_000260.4(MYO7A):c.4668G>A (p.Pro1556=)

Gene: MYO7A (myosin VIIA; plus strand). Cytogenetic location: 11q13.5.
Variant type: single nucleotide variant.
Coding change: c.4668G>A on transcript NM_000260.4 (MANE Select); coding-DNA position 4668, G replaced by A.
Protein change: p.Pro1556=; no amino-acid change (proline 1556 retained).
Molecular consequence: synonymous variant. On other transcripts: intron variant (2).
Genome position (GRCh38, 1-based): chr11:77,199,634, G>A. VCF-style: chr11-77199634-G-A. GRCh37 (hg19) VCF-style: chr11-76910679-G-A.
Other names: c.4536-15G>A (NM_001369365.1); c.4569-15G>A (NM_001127180.2).
Identifiers: ClinVar variation 745415 (VCV000745415.39), dbSNP rs376892582, ClinGen allele CA6198516.

ClinVar aggregate classification (germline): Benign/Likely benign. Review status: criteria provided, multiple submitters, no conflicts (2 of 4 stars). 6 submissions from 6 submitters: Benign (1); Likely benign (4). 1 of the submissions does not count toward it. Last evaluated 2025-08-12.

Conditions:
Inborn genetic diseases. Identifiers: MedGen C0950123, MeSH D030342.
MYO7A-related disorder. Also called: MYO7A-related disorders.
Usher syndrome type 1B (USH1B). Also called: Usher syndrome type IB. Identifiers: MedGen C1848638, MONDO:0700087.

Allele frequency attached by ClinVar (database versions not stated): gnomAD exomes 0.00007 and 0.00013; ExAC 0.00028; ESP Exome Variant Server 0.00047; gnomAD 0.00054 and 0.00058; TOPMed 0.00068; 1000 Genomes Project 30x 0.00078; 1000 Genomes Project 0.00080.
gnomAD v4.1: 194 of 1,610,882 alleles (0.012%); highest among the groups gnomAD compares: African/African-American, 0.19%; no homozygotes.

Submissions (6):

Ambry Genetics
Classification: Likely benign for Inborn genetic diseases. Last evaluated: 2025-08-12. Review status: criteria provided, single submitter. Criteria: Ambry Variant Classification Scheme 2023. Collection method: clinical testing. Allele origin: germline.

PreventionGenetics, part of Exact Sciences
Classification: Likely benign for MYO7A-related condition. Last evaluated: 2025-03-28. Review status: criteria provided, single submitter. Criteria: ACMG Guidelines, 2015. Collection method: clinical testing. Allele origin: germline.
Comment: This variant is classified as likely benign based on ACMG/AMP sequence variant interpretation guidelines (Richards et al. 2015 PMID: 25741868, with internal and published modifications).

Blueprint Genetics
Classification: Likely benign. Last evaluated: 2024-06-11. Review status: criteria provided, single submitter. Criteria: ACMG Guidelines, 2015. Collection method: clinical testing. Allele origin: germline.

Labcorp Genetics (formerly Invitae), Labcorp
Classification: Benign. Last evaluated: 2024-05-06. Review status: criteria provided, single submitter. Criteria: Invitae Variant Classification Sherloc (09022015). Collection method: clinical testing. Allele origin: germline.

CeGaT Center for Human Genetics Tuebingen
Classification: Likely benign. Last evaluated: 2023-04-01. Review status: criteria provided, single submitter. Criteria: CeGaT Center For Human Genetics Tuebingen Variant Classification Criteria Version 2. Collection method: clinical testing. Allele origin: germline. Affected: yes. Observed: 1 variant allele.
Comment: MYO7A: BP4, BP7

Natera, Inc.
Classification: Uncertain significance for Usher syndrome type 1B. Last evaluated: 2020-02-13. Review status: no assertion criteria provided. Collection method: clinical testing. Allele origin: germline. Not counted in ClinVar's aggregate classification.